The following is an entry in ClinVar:

ClinVar aggregate classification (germline): Uncertain significance (1 of 4 stars; one submission).

Conditions:
Nephronophthisis 14 (NPHP14). Identifiers: Orphanet 2318, MedGen C3539071, MONDO:0013916, OMIM 614844.

Submission:

Labcorp Genetics (formerly Invitae), Labcorp
Classification: Uncertain significance for Nephronophthisis 14. Last evaluated: 2022-03-28. Review status: criteria provided, single submitter. Criteria: Invitae Variant Classification Sherloc (09022015). Collection method: clinical testing. Allele origin: germline.
Comment: This variant results in a copy number gain of the genomic region encompassing exon(s) 1-2 of the ZNF423 gene. This region includes the initiator codon of the gene. This copy number gain extends beyond the assayed region for this gene and therefore may encompass additional genes. As the precise location of this event is unknown, it may be in tandem or it may be located elsewhere in the genome. This variant has not been reported in the literature in individuals affected with ZNF423-related conditions. In summary, the available evidence is currently insufficient to determine the role of this variant in disease. Therefore, it has been classified as a Variant of Uncertain Significance.

NC_000016.9:g.(?_49823378)_(49856596_?)dup

Gene: ZNF423 (zinc finger protein 423; minus strand). Cytogenetic location: 16q12.1.
Variant type: Duplication.
Identifiers: ClinVar variation 2426050 (VCV002426050.4).